The following is an entry in ClinVar:

NM_020921.4(NIN):c.5621G>A (p.Arg1874Gln)

Gene: NIN (ninein; minus strand). Cytogenetic location: 14q22.1.
Variant type: single nucleotide variant.
Coding change: c.5621G>A on transcript NM_020921.4 (MANE Select); coding-DNA position 5621, G replaced by A.
Protein change: p.Arg1874Gln; replaces arginine 1874 with glutamine.
Molecular consequence: missense variant.
Genome position (GRCh38, 1-based): chr14:50,739,315, C>T on the plus strand (G>A on the coding strand, the complement: NIN is on the minus strand). VCF-style: chr14-50739315-C-T. GRCh37 (hg19) VCF-style: chr14-51206033-C-T.
Other names: c.3482G>A, p.Arg1161Gln (NM_016350.5); c.5621G>A, p.Arg1874Gln (NM_182944.3, NM_182946.2); short protein forms R1874Q, R1161Q.
Identifiers: ClinVar variation 3678949 (VCV003678949.2).

ClinVar aggregate classification (germline): Uncertain significance (1 of 4 stars; one submission).

gnomAD v4.1: 19 of 1,613,774 alleles (0.0012%); highest among the groups gnomAD compares: East Asian, 0.0089%; no homozygotes.

Submission:

Labcorp Genetics (formerly Invitae), Labcorp
Classification: Uncertain significance. Last evaluated: 2024-03-17. Review status: criteria provided, single submitter. Criteria: Invitae Variant Classification Sherloc (09022015). Collection method: clinical testing. Allele origin: germline.
Comment: This sequence change replaces arginine, which is basic and polar, with glutamine, which is neutral and polar, at codon 1874 of the NIN protein (p.Arg1874Gln). This variant is present in population databases (rs750575963, gnomAD 0.02%). This variant has not been reported in the literature in individuals affected with NIN-related conditions. Algorithms developed to predict the effect of missense changes on protein structure and function output the following: SIFT: "Not Available"; PolyPhen-2: "Benign"; Align-GVGD: "Not Available". The glutamine amino acid residue is found in multiple mammalian species, which suggests that this missense change does not adversely affect protein function. In summary, the available evidence is currently insufficient to determine the role of this variant in disease. Therefore, it has been classified as a Variant of Uncertain Significance.